The following is an entry in ClinVar:

NM_003151.4(STAT4):c.630+6T>C

Gene: STAT4 (signal transducer and activator of transcription 4; minus strand). Cytogenetic location: 2q32.2.
Variant type: single nucleotide variant.
Coding change: c.630+6T>C on transcript NM_003151.4 (MANE Select); 6 bases into the intron after coding-DNA position 630, T replaced by C.
Molecular consequence: intron variant.
Genome position (GRCh38, 1-based): chr2:191,066,424, A>G on the plus strand (T>C on the coding strand, the complement: STAT4 is on the minus strand). VCF-style: chr2-191066424-A-G. GRCh37 (hg19) VCF-style: chr2-191931150-A-G.
Other names: c.630+6T>C (NM_001243835.2).
Identifiers: ClinVar variation 4691350 (VCV004691350.1).

ClinVar aggregate classification (germline): Uncertain significance (1 of 4 stars; one submission).

Submission:

Labcorp Genetics (formerly Invitae), Labcorp
Classification: Uncertain significance. Last evaluated: 2025-02-26. Review status: criteria provided, single submitter. Criteria: Invitae Variant Classification Sherloc (09022015). Collection method: clinical testing. Allele origin: germline.
Comment: This sequence change falls in intron 7 of the STAT4 gene. It does not directly change the encoded amino acid sequence of the STAT4 protein. It affects a nucleotide within the consensus splice site. This variant is present in population databases (rs749527671, gnomAD 0.006%). This variant has not been reported in the literature in individuals affected with STAT4-related conditions. Variants that disrupt the consensus splice site are a relatively common cause of aberrant splicing (PMID: 17576681, 9536098). Algorithms developed to predict the effect of sequence changes on RNA splicing suggest that this variant is not likely to affect RNA splicing. In summary, the available evidence is currently insufficient to determine the role of this variant in disease. Therefore, it has been classified as a Variant of Uncertain Significance.

Literature cited by the submitters: PubMed 17576681; PubMed 9536098.